The following is an entry in ClinVar:

NM_015295.3(SMCHD1):c.444_447del (p.Ile149fs)

Gene: SMCHD1 (structural maintenance of chromosomes flexible hinge domain containing 1; plus strand). Cytogenetic location: 18p11.32.
Variant type: Microsatellite.
Coding change: c.444_447del on transcript NM_015295.3 (MANE Select); coding-DNA positions 444 to 447, 4 bases deleted (AATT; older notation c.444_447delAATT).
Protein change: p.Ile149fs; shifts the reading frame from isoleucine 149.
Molecular consequence: frameshift variant.
Genome position (GRCh38, 1-based): chr18:2,673,300-2,673,303, AATT deleted; deleting any 4 consecutive bases within chr18:2,673,296-2,673,303 gives the same sequence; the c. name uses the placement nearest the transcript's 3' end. VCF-style (leftmost placement, unchanged base first): chr18-2673295-GAATT-G. GRCh37 (hg19) VCF-style: chr18-2673294-GAATT-G.
Other names: short protein forms I149fs.
Identifiers: ClinVar variation 2833892 (VCV002833892.3), dbSNP rs2509971762, ClinGen allele CA2739268519.

ClinVar aggregate classification (germline): Pathogenic (1 of 4 stars; one submission).

Conditions:
Facioscapulohumeral muscular dystrophy 2 (FSHD2). Also called: MUSCULAR DYSTROPHY, FACIOSCAPULOHUMERAL, TYPE 1B; FACIOSCAPULOHUMERAL MUSCULAR DYSTROPHY 2, DIGENIC; FSHD2, DIGENIC. Identifiers: Orphanet 269, MedGen C1834671, MONDO:0008031, OMIM 158901.

Submission:

Labcorp Genetics (formerly Invitae), Labcorp
Classification: Pathogenic for Facioscapulohumeral muscular dystrophy 2. Last evaluated: 2023-02-02. Review status: criteria provided, single submitter. Criteria: Invitae Variant Classification Sherloc (09022015). Collection method: clinical testing. Allele origin: germline.
Comment: This sequence change creates a premature translational stop signal (p.Ile149Thrfs*33) in the SMCHD1 gene. It is expected to result in an absent or disrupted protein product. Loss-of-function variants in SMCHD1 are known to be pathogenic (PMID: 23143600). This variant is not present in population databases (gnomAD no frequency). This variant has not been reported in the literature in individuals affected with SMCHD1-related conditions. For these reasons, this variant has been classified as Pathogenic.

Literature cited by the submitters: PubMed 23143600.